The following is an entry in ClinVar:

NM_020822.3(KCNT1):c.2842-18G>A

Gene: KCNT1 (potassium sodium-activated channel subfamily T member 1; plus strand). Cytogenetic location: 9q34.3.
Variant type: single nucleotide variant.
Coding change: c.2842-18G>A on transcript NM_020822.3 (MANE Select); 18 bases into the intron before coding-DNA position 2842, G replaced by A.
Molecular consequence: intron variant.
Genome position (GRCh38, 1-based): chr9:135,784,006, G>A. VCF-style: chr9-135784006-G-A. GRCh37 (hg19) VCF-style: chr9-138675852-G-A.
Other names: c.2707-18G>A (NM_001272003.2).
Identifiers: ClinVar variation 515212 (VCV000515212.3), dbSNP rs572059153, ClinGen allele CA591148543.

ClinVar aggregate classification (germline): Likely benign. Review status: criteria provided, multiple submitters, no conflicts (2 of 4 stars). 2 submissions from 2 submitters: Likely benign (2). Last evaluated 2024-05-18.

Conditions:
Autosomal dominant nocturnal frontal lobe epilepsy 5. Also called: Epilepsy, nocturnal frontal lobe, 5; CILIARY DYSKINESIA, PRIMARY, 28, WITHOUT SITUS INVERSUS; CILIARY DYSKINESIA, PRIMARY, 28, WITH SITUS INVERSUS; KCNT1-Related Epilepsy. Identifiers: Orphanet 98784, MedGen C3554306, MONDO:0014002, OMIM 615005.
Developmental and epileptic encephalopathy, 14 (DEE14). Also called: Early infantile epileptic encephalopathy 14. Identifiers: Orphanet 293181, MedGen C3554195, MONDO:0013989, OMIM 614959.

Allele frequency attached by ClinVar (database versions not stated): TOPMed 0.00004.
gnomAD v4.1: 3 of 1,601,638 alleles (0.00019%); highest among the groups gnomAD compares: Non-Finnish European, 0.00026%; no homozygotes.

Submissions (2):

Labcorp Genetics (formerly Invitae), Labcorp
Classification: Likely benign for Autosomal dominant nocturnal frontal lobe epilepsy 5; Developmental and epileptic encephalopathy, 14. Last evaluated: 2024-05-18. Review status: criteria provided, single submitter. Criteria: Invitae Variant Classification Sherloc (09022015). Collection method: clinical testing. Allele origin: germline.

GeneDx
Classification: Likely benign. Last evaluated: 2018-02-12. Review status: criteria provided, single submitter. Criteria: GeneDx Variant Classification (06012015). Collection method: clinical testing. Allele origin: germline. Affected: yes.
Comment: This variant is considered likely benign or benign based on one or more of the following criteria: it is a conservative change, it occurs at a poorly conserved position in the protein, it is predicted to be benign by multiple in silico algorithms, and/or has population frequency not consistent with disease.